The following is an entry in ClinVar:

NM_032833.5(PPP1R15B):c.1308C>T (p.Asp436=)

Gene: PPP1R15B (protein phosphatase 1 regulatory subunit 15B; minus strand). Cytogenetic location: 1q32.1.
Variant type: single nucleotide variant.
Coding change: c.1308C>T on transcript NM_032833.5 (MANE Select); coding-DNA position 1308, C replaced by T.
Protein change: p.Asp436=; no amino-acid change (aspartic acid 436 retained).
Molecular consequence: synonymous variant.
Genome position (GRCh38, 1-based): chr1:204,410,104, G>A on the plus strand (C>T on the coding strand, the complement: PPP1R15B is on the minus strand). VCF-style: chr1-204410104-G-A. GRCh37 (hg19) VCF-style: chr1-204379232-G-A.
Identifiers: ClinVar variation 796320 (VCV000796320.43), dbSNP rs377038976, ClinGen allele CA1346656.

ClinVar aggregate classification (germline): Likely benign. Review status: criteria provided, multiple submitters, no conflicts (2 of 4 stars). 4 submissions from 4 submitters: Likely benign (4). Last evaluated 2026-03-19.

Conditions:
PPP1R15B-related disorder. Also called: PPP1R15B-related condition.

Allele frequency attached by ClinVar (database versions not stated): gnomAD exomes 0.00010 and 0.00008; gnomAD 0.00007; ESP Exome Variant Server 0.00008; ExAC 0.00009; TOPMed 0.00009.
gnomAD v4.1: 119 of 1,613,956 alleles (0.0074%); highest among the groups gnomAD compares: Admixed American, 0.025%; no homozygotes.

Submissions (4):

PreventionGenetics, part of Exact Sciences
Classification: Likely benign for PPP1R15B-related condition. Last evaluated: 2026-03-19. Review status: criteria provided, single submitter. Criteria: ACMG Guidelines, 2015. Collection method: clinical testing. Allele origin: germline.
Comment: This variant is classified as likely benign based on ACMG/AMP sequence variant interpretation guidelines (Richards et al. 2015 PMID: 25741868, with internal and published modifications).

Labcorp Genetics (formerly Invitae), Labcorp
Classification: Likely benign. Last evaluated: 2025-03-05. Review status: criteria provided, single submitter. Criteria: Invitae Variant Classification Sherloc (09022015). Collection method: clinical testing. Allele origin: germline.

Blueprint Genetics
Classification: Likely benign. Last evaluated: 2024-09-21. Review status: criteria provided, single submitter. Criteria: ACMG Guidelines, 2015. Collection method: clinical testing. Allele origin: germline.

CeGaT Center for Human Genetics Tuebingen
Classification: Likely benign. Last evaluated: 2021-10-01. Review status: criteria provided, single submitter. Criteria: CeGaT Center For Human Genetics Tuebingen Variant Classification Criteria Version 2. Collection method: clinical testing. Allele origin: germline. Affected: yes. Observed: 1 variant allele.